The following is an entry in ClinVar:

ClinVar aggregate classification (germline): Likely benign. Review status: criteria provided, multiple submitters, no conflicts (2 of 4 stars). 2 submissions from 2 submitters: Likely benign (2). Last evaluated 2024-09-01.

Allele frequency attached by ClinVar (database versions not stated): ExAC 0.00001; gnomAD 0.00001; gnomAD exomes 0.00001; TOPMed 0.00001.
gnomAD v4.1: 6 of 1,610,330 alleles (0.00037%); highest among the groups gnomAD compares: Non-Finnish European, 0.00051%; no homozygotes.

Submissions (2):

CeGaT Center for Human Genetics Tuebingen
Classification: Likely benign. Last evaluated: 2024-09-01. Review status: criteria provided, single submitter. Criteria: CeGaT Center For Human Genetics Tuebingen Variant Classification Criteria Version 2. Collection method: clinical testing. Allele origin: germline. Affected: yes. Observed: 1 variant allele.
Comment: SRCAP: BP4

Labcorp Genetics (formerly Invitae), Labcorp
Classification: Likely benign. Last evaluated: 2023-11-29. Review status: criteria provided, single submitter. Criteria: Invitae Variant Classification Sherloc (09022015). Collection method: clinical testing. Allele origin: germline.

NM_006662.3(SRCAP):c.1134+8C>T

Gene: SRCAP (Snf2 related CREBBP activator protein; plus strand). Cytogenetic location: 16p11.2.
Variant type: single nucleotide variant.
Coding change: c.1134+8C>T on transcript NM_006662.3 (MANE Select); 8 bases into the intron after coding-DNA position 1134, C replaced by T.
Molecular consequence: intron variant.
Genome position (GRCh38, 1-based): chr16:30,710,136, C>T. VCF-style: chr16-30710136-C-T. GRCh37 (hg19) VCF-style: chr16-30721457-C-T.
Identifiers: ClinVar variation 2985125 (VCV002985125.17), dbSNP rs754046169, ClinGen allele CA8010830.